The following is an entry in ClinVar:

NM_003560.4(PLA2G6):c.1516G>A (p.Val506Met)

Gene: PLA2G6 (phospholipase A2 group VI; minus strand). Cytogenetic location: 22q13.1.
Variant type: single nucleotide variant.
Coding change: c.1516G>A on transcript NM_003560.4 (MANE Select); coding-DNA position 1516, G replaced by A.
Protein change: p.Val506Met; replaces valine 506 with methionine.
Molecular consequence: missense variant.
Genome position (GRCh38, 1-based): chr22:38,123,170, C>T on the plus strand (G>A on the coding strand, the complement: PLA2G6 is on the minus strand). VCF-style: chr22-38123170-C-T. GRCh37 (hg19) VCF-style: chr22-38519177-C-T.
Other names: c.1354G>A, p.Val452Met (NM_001199562.3, NM_001349865.2, NM_001349866.2 and 1 more transcripts); c.1516G>A, p.Val506Met (NM_001349864.2); c.982G>A, p.Val328Met (NM_001349867.2); c.838G>A, p.Val280Met (NM_001349868.2); c.820G>A, p.Val274Met (NM_001349869.2); short protein forms V452M, V328M, V274M, V280M, V506M.
Identifiers: ClinVar variation 647168 (VCV000647168.7), dbSNP rs1602096779, ClinGen allele CA411527923.

ClinVar aggregate classification (germline): Likely pathogenic (1 of 4 stars; one submission).

Conditions:
Infantile neuroaxonal dystrophy (NBIA2A). Also called: SEITELBERGER DISEASE; NEURODEGENERATION WITH BRAIN IRON ACCUMULATION 2A; Infantile neuroaxonal dystrophy 1. Identifiers: Orphanet 35069, MedGen C0270724, MONDO:0024457, OMIM 256600.

Submission:

Labcorp Genetics (formerly Invitae), Labcorp
Classification: Likely pathogenic for Infantile neuroaxonal dystrophy. Last evaluated: 2025-09-02. Review status: criteria provided, single submitter. Criteria: Invitae Variant Classification Sherloc (09022015). Collection method: clinical testing. Allele origin: germline.
Comment: This sequence change replaces valine, which is neutral and non-polar, with methionine, which is neutral and non-polar, at codon 506 of the PLA2G6 protein (p.Val506Met). This variant is not present in population databases (gnomAD no frequency). This missense change has been observed in individual(s) with clinical features of PLA2G6-related conditions (PMID: 37403138; internal data). In at least one individual the data is consistent with being in trans (on the opposite chromosome) from a pathogenic variant. ClinVar contains an entry for this variant (Variation ID: 647168). Invitae Evidence Modeling of protein sequence and biophysical properties (such as structural, functional, and spatial information, amino acid conservation, physicochemical variation, residue mobility, and thermodynamic stability) indicates that this missense variant is not expected to disrupt PLA2G6 protein function with a negative predictive value of 80%. Algorithms developed to predict the effect of sequence changes on RNA splicing suggest that this variant may disrupt the consensus splice site. In summary, the currently available evidence indicates that the variant is pathogenic, but additional data are needed to prove that conclusively. Therefore, this variant has been classified as Likely Pathogenic.

Literature cited by the submitters: PubMed 37403138.